The following is an entry in ClinVar:

ClinVar aggregate classification (germline): Likely benign. Review status: criteria provided, multiple submitters, no conflicts (2 of 4 stars). 2 submissions from 2 submitters: Likely benign (2). Last evaluated 2018-06-14.

Allele frequency attached by ClinVar (database versions not stated): gnomAD exomes 0.00062 and 0.00189; ExAC 0.00472; 1000 Genomes Project 30x 0.00593; 1000 Genomes Project 0.00599; gnomAD 0.00701 and 0.00758; ESP Exome Variant Server 0.00712; TOPMed 0.00761.
gnomAD v4.1: 1,954 of 1,521,656 alleles (0.13%); highest among the groups gnomAD compares: African/African-American, 2.4%; 30 homozygotes.

Submissions (2):

GeneDx
Classification: Likely benign. Last evaluated: 2018-06-14. Review status: criteria provided, single submitter. Criteria: GeneDx Variant Classification (06012015). Collection method: clinical testing. Allele origin: germline. Affected: yes.
Comment: This variant is considered likely benign or benign based on one or more of the following criteria: it is a conservative change, it occurs at a poorly conserved position in the protein, it is predicted to be benign by multiple in silico algorithms, and/or has population frequency not consistent with disease.

Breakthrough Genomics
Classification: Likely benign. Review status: criteria provided, single submitter. Criteria: ACMG Guidelines, 2015. Collection method: not provided. Allele origin: germline. Inheritance: Autosomal dominant inheritance. Affected: yes.

NM_003036.4(SKI):c.1767+37C>T

Gene: SKI (SKI proto-oncogene; plus strand). Cytogenetic location: 1p36.32.
Variant type: single nucleotide variant.
Coding change: c.1767+37C>T on transcript NM_003036.4 (MANE Select); 37 bases into the intron after coding-DNA position 1767, C replaced by T.
Molecular consequence: intron variant.
Genome position (GRCh38, 1-based): chr1:2,304,622, C>T. VCF-style: chr1-2304622-C-T. GRCh37 (hg19) VCF-style: chr1-2236061-C-T.
Identifiers: ClinVar variation 674624 (VCV000674624.2), dbSNP rs114330959, ClinGen allele CA536787.